The following is an entry in ClinVar:

NM_001165963.4(SCN1A):c.1164T>A (p.Tyr388Ter)

Gene: SCN1A (sodium voltage-gated channel alpha subunit 1; minus strand). Cytogenetic location: 2q24.3.
Variant type: single nucleotide variant.
Coding change: c.1164T>A on transcript NM_001165963.4 (MANE Select); coding-DNA position 1164, T replaced by A.
Protein change: p.Tyr388Ter; replaces tyrosine 388 with a stop codon.
Molecular consequence: nonsense. On other transcripts: 5 prime UTR variant (1), non-coding transcript variant (1).
Genome position (GRCh38, 1-based): chr2:166,047,633, A>T on the plus strand (T>A on the coding strand, the complement: SCN1A is on the minus strand). VCF-style: chr2-166047633-A-T. GRCh37 (hg19) VCF-style: chr2-166904143-A-T.
Other names: c.1164T>A, p.Tyr388Ter (NM_001165964.3, NM_001202435.3, NM_001353948.2 and 10 more transcripts); c.-1262T>A (NM_001353961.2); short protein forms Y388*.
Identifiers: ClinVar variation 1399531 (VCV001399531.7), dbSNP rs2105866649, ClinGen allele CA349071075.

ClinVar aggregate classification (germline): Pathogenic (1 of 4 stars; one submission).

Conditions:
Early-infantile DEE. Also called: Early infantile epileptic encephalopathy; Ohtahara syndrome; Early infantile epileptic encephalopathy with suppression bursts. Identifiers: Orphanet 1934, MedGen C0393706, MONDO:0800491.

Submission:

Labcorp Genetics (formerly Invitae), Labcorp
Classification: Pathogenic for Early-infantile DEE. Last evaluated: 2020-12-15. Review status: criteria provided, single submitter. Criteria: Invitae Variant Classification Sherloc (09022015). Collection method: clinical testing. Allele origin: germline.
Comment: For these reasons, this variant has been classified as Pathogenic. This variant has not been reported in the literature in individuals with SCN1A-related conditions. This variant is not present in population databases (ExAC no frequency). This sequence change creates a premature translational stop signal (p.Tyr388*) in the SCN1A gene. It is expected to result in an absent or disrupted protein product. Loss-of-function variants in SCN1A are known to be pathogenic (PMID: 17347258, 18930999).

Literature cited by the submitters: PubMed 17347258; PubMed 18930999.